The following is an entry in ClinVar:

NM_001923.5(DDB1):c.563G>A (p.Arg188Gln)

Gene: DDB1 (damage specific DNA binding protein 1; minus strand). Cytogenetic location: 11q12.2.
Variant type: single nucleotide variant.
Coding change: c.563G>A on transcript NM_001923.5 (MANE Select); coding-DNA position 563, G replaced by A.
Protein change: p.Arg188Gln; replaces arginine 188 with glutamine.
Molecular consequence: missense variant.
Genome position (GRCh38, 1-based): chr11:61,326,880, C>T on the plus strand (G>A on the coding strand, the complement: DDB1 is on the minus strand). VCF-style: chr11-61326880-C-T. GRCh37 (hg19) VCF-style: chr11-61094352-C-T.
Other names: short protein forms R188Q.
Identifiers: ClinVar variation 1183956 (VCV001183956.2), dbSNP rs2134935097, ClinGen allele CA380665893.

ClinVar aggregate classification (germline): Pathogenic. Review status: criteria provided, single submitter (1 of 4 stars). 2 submissions from 2 submitters: Pathogenic (1). 1 of the submissions does not count toward it. Last evaluated 2024-03-12.

Conditions:
White-Kernohan syndrome. Also called: GLOBAL DEVELOPMENTAL DELAY, HYPOTONIA, AND CHARACTERISTIC FACIAL FEATURES. Identifiers: MedGen C5543635, MONDO:0859169, OMIM 619426.

Submissions (2):

GeneDx
Classification: Pathogenic. Last evaluated: 2024-03-12. Review status: criteria provided, single submitter. Criteria: GeneDx Variant Classification Process June 2021. Collection method: clinical testing. Allele origin: germline. Affected: yes.
Comment: Not observed at significant frequency in large population cohorts (gnomAD); In silico analysis supports that this missense variant has a deleterious effect on protein structure/function; This variant is associated with the following publications: (PMID: 33743206)

OMIM
Classification: Pathogenic for WHITE-KERNOHAN SYNDROME. Last evaluated: 2021-07-20. Review status: no assertion criteria provided. Collection method: literature only. Allele origin: germline. Not counted in ClinVar's aggregate classification.

Literature cited by the submitters: PubMed 33743206 (cited by OMIM).